The following is an entry in ClinVar:

NM_000393.5(COL5A2):c.1693G>C (p.Glu565Gln)

Gene: COL5A2 (collagen type V alpha 2 chain; minus strand). Cytogenetic location: 2q32.2.
Variant type: single nucleotide variant.
Coding change: c.1693G>C on transcript NM_000393.5 (MANE Select); coding-DNA position 1693, G replaced by C.
Protein change: p.Glu565Gln; replaces glutamic acid 565 with glutamine.
Molecular consequence: missense variant.
Genome position (GRCh38, 1-based): chr2:189,064,580, C>G on the plus strand (G>C on the coding strand, the complement: COL5A2 is on the minus strand). VCF-style: chr2-189064580-C-G. GRCh37 (hg19) VCF-style: chr2-189929306-C-G.
Other names: short protein forms E565Q.
Identifiers: ClinVar variation 180302 (VCV000180302.17), dbSNP rs730880066, ClinGen allele CA346255.

ClinVar aggregate classification (germline): Conflicting classifications of pathogenicity. Review status: criteria provided, conflicting classifications (1 of 4 stars). 4 submissions from 4 submitters: Uncertain significance (3); Likely benign (1). Last evaluated 2026-01-18.

Conditions:
Ehlers-Danlos syndrome, classic type, 1 (EDSCL1). Also called: Ehlers-Danlos syndrome, type 1; Ehlers-Danlos Syndrome, Classic Type, COL5A1-Related; EDS I; EHLERS-DANLOS SYNDROME, GRAVIS TYPE; EHLERS-DANLOS SYNDROME, SEVERE CLASSIC TYPE. Identifiers: MedGen C0268335, MONDO:0019567, OMIM 130000.
Ehlers-Danlos syndrome, classic type, 2 (EDSCL2). Also called: Ehlers-Danlos syndrome, type 2; Ehlers-Danlos Syndrome, Classic Type, COL5A2-Related; Ehlers-Danlos syndrome type 2 (formerly). Identifiers: Orphanet 287, Orphanet 90318, MedGen C0268336, MONDO:0019568, OMIM 130010.
Familial thoracic aortic aneurysm and aortic dissection (TAAD). Also called: Thoracic aortic aneurysms and dissections. Identifiers: Orphanet 91387, MedGen C4707243, MONDO:0019625.

gnomAD v4.1: 3 of 1,613,628 alleles (0.00019%); highest among the groups gnomAD compares: Admixed American, 0.0017%; no homozygotes.

Submissions (4):

Labcorp Genetics (formerly Invitae), Labcorp
Classification: Uncertain significance for Ehlers-Danlos syndrome, classic type, 1. Last evaluated: 2026-01-18. Review status: criteria provided, single submitter. Criteria: Invitae Variant Classification Sherloc (09022015). Collection method: clinical testing. Allele origin: germline.
Comment: This sequence change replaces glutamic acid, which is acidic and polar, with glutamine, which is neutral and polar, at codon 565 of the COL5A2 protein (p.Glu565Gln). This variant is not present in population databases (gnomAD no frequency). This variant has not been reported in the literature in individuals affected with COL5A2-related conditions. ClinVar contains an entry for this variant (Variation ID: 180302). Invitae Evidence Modeling of protein sequence and biophysical properties (such as structural, functional, and spatial information, amino acid conservation, physicochemical variation, residue mobility, and thermodynamic stability) indicates that this missense variant is not expected to disrupt COL5A2 protein function with a negative predictive value of 80%. In summary, the available evidence is currently insufficient to determine the role of this variant in disease. Therefore, it has been classified as a Variant of Uncertain Significance.

Blueprint Genetics
Classification: Likely benign. Last evaluated: 2024-11-11. Review status: criteria provided, single submitter. Criteria: ACMG Guidelines, 2015. Collection method: clinical testing. Allele origin: germline.

Fulgent Genetics
Classification: Uncertain significance for Ehlers-Danlos syndrome, classic type, 2. Last evaluated: 2021-07-14. Review status: criteria provided, single submitter. Criteria: ACMG Guidelines, 2015. Collection method: clinical testing. Allele origin: unknown.

Ambry Genetics
Classification: Uncertain significance for Familial thoracic aortic aneurysm and aortic dissection. Last evaluated: 2020-09-29. Review status: criteria provided, single submitter. Criteria: Ambry Variant Classification Scheme 2023. Collection method: clinical testing. Allele origin: germline.
Comment: The p.E565Q variant (also known as c.1693G>C), located in coding exon 25 of the COL5A2 gene, results from a G to C substitution at nucleotide position 1693. The glutamic acid at codon 565 is replaced by glutamine, an amino acid with highly similar properties. This amino acid position is highly conserved in available vertebrate species. In addition, the in silico prediction for this alteration is inconclusive. Since supporting evidence is limited at this time, the clinical significance of this alteration remains unclear.